The following is an entry in ClinVar:

NM_001621.5(AHR):c.1653A>T (p.Glu551Asp)

Gene: AHR (aryl hydrocarbon receptor; plus strand). Cytogenetic location: 7p21.1.
Variant type: single nucleotide variant.
Coding change: c.1653A>T on transcript NM_001621.5 (MANE Select); coding-DNA position 1653, A replaced by T.
Protein change: p.Glu551Asp; replaces glutamic acid 551 with aspartic acid.
Molecular consequence: missense variant.
Genome position (GRCh38, 1-based): chr7:17,339,478, A>T. VCF-style: chr7-17339478-A-T. GRCh37 (hg19) VCF-style: chr7-17379102-A-T.
Other names: short protein forms E551D.
Identifiers: ClinVar variation 2122665 (VCV002122665.4), dbSNP rs1450436421, ClinGen allele CA366894845.
Genomic context (GRCh38, chr7:17,339,478, plus strand): 5'-TCAAGATAGTAAAAACAGTGACTTGTACAGCATAATGAAAAACCTAGGCATTGATTTTGA[A>T]GACATCAGACACATGCAGAATGAAAAATTTTTCAGAAATGATTTTTCTGGTGAGGTTGAC-3'
Protein context (NP_001612.1, residues 541-561): SIMKNLGIDF[Glu551Asp]DIRHMQNEKF

ClinVar aggregate classification (germline): Uncertain significance (1 of 4 stars; one submission).

Allele frequency attached by ClinVar (database versions not stated): gnomAD exomes below 0.00001; TOPMed below 0.00001; gnomAD 0.00001.
gnomAD v4.1: 3 of 1,614,004 alleles (0.00019%); highest among the groups gnomAD compares: Non-Finnish European, 0.00025%; no homozygotes.

Submission:

Labcorp Genetics (formerly Invitae), Labcorp
Classification: Uncertain significance. Last evaluated: 2022-05-07. Review status: criteria provided, single submitter. Criteria: Invitae Variant Classification Sherloc (09022015). Collection method: clinical testing. Allele origin: germline.
Comment: This sequence change replaces glutamic acid, which is acidic and polar, with aspartic acid, which is acidic and polar, at codon 551 of the AHR protein (p.Glu551Asp). In summary, the available evidence is currently insufficient to determine the role of this variant in disease. Therefore, it has been classified as a Variant of Uncertain Significance. Algorithms developed to predict the effect of missense changes on protein structure and function output the following: SIFT: "Tolerated"; PolyPhen-2: "Benign"; Align-GVGD: "Class C0". The aspartic acid amino acid residue is found in multiple mammalian species, which suggests that this missense change does not adversely affect protein function. This variant has not been reported in the literature in individuals affected with AHR-related conditions. This variant is not present in population databases (gnomAD no frequency).